The following is an entry in ClinVar:

NM_001127178.3(PIGG):c.1254G>A (p.Thr418=)

Gene: PIGG (phosphatidylinositol glycan anchor biosynthesis class G (EMM blood group); plus strand). Cytogenetic location: 4p16.3.
Variant type: single nucleotide variant.
Coding change: c.1254G>A on transcript NM_001127178.3 (MANE Select); coding-DNA position 1254, G replaced by A.
Protein change: p.Thr418=; no amino-acid change (threonine 418 retained).
Molecular consequence: synonymous variant. On other transcripts: 5 prime UTR variant (2), non-coding transcript variant (10), intron variant (1).
Genome position (GRCh38, 1-based): chr4:521,195, G>A. VCF-style: chr4-521195-G-A. GRCh37 (hg19) VCF-style: chr4-514984-G-A.
Other names: c.987G>A, p.Thr329= (NM_001289051.2, NM_001289053.2, NM_001345986.2 and 1 more transcripts); c.855G>A, p.Thr285= (NM_001289052.2); c.888G>A, p.Thr296= (NM_001289055.2); c.225G>A, p.Thr75= (NM_001345988.2); c.1254G>A, p.Thr418= (NM_001345989.2, NM_017733.5); c.-234G>A (NM_001345990.2, NM_001345991.2); c.180G>A, p.Thr60= (NM_001345994.2); c.848-465G>A (NM_001289057.2).
Identifiers: ClinVar variation 476314 (VCV000476314.38), dbSNP rs139518242, ClinGen allele CA2793255.

ClinVar aggregate classification (germline): Benign/Likely benign. Review status: criteria provided, multiple submitters, no conflicts (2 of 4 stars). 4 submissions from 4 submitters: Benign (1); Likely benign (3). Last evaluated 2026-07-01.

Conditions:
Intellectual disability, autosomal recessive 53 (NEDHSCA). Also called: GLYCOSYLPHOSPHATIDYLINOSITOL BIOSYNTHESIS DEFECT 13; Mental retardation, autosomal recessive 53; NEURODEVELOPMENTAL DISORDER WITH OR WITHOUT HYPOTONIA, SEIZURES, AND CEREBELLAR ATROPHY. Identifiers: Orphanet 488635, MedGen C4310794, MONDO:0014832, OMIM 616917.

Allele frequency attached by ClinVar (database versions not stated): 1000 Genomes Project 0.00040; 1000 Genomes Project 30x 0.00047; TOPMed 0.00128; gnomAD 0.00214 and 0.00227; ESP Exome Variant Server 0.00261.
gnomAD v4.1: 4,665 of 1,614,064 alleles (0.29%); highest among the groups gnomAD compares: Non-Finnish European, 0.31%; 19 homozygotes.

Submissions (4):

CeGaT Center for Human Genetics Tuebingen
Classification: Likely benign. Last evaluated: 2026-07-01. Review status: criteria provided, single submitter. Criteria: CeGaT Center For Human Genetics Tuebingen Variant Classification Criteria Version 2. Collection method: clinical testing. Allele origin: germline. Affected: yes. Observed: 5 variant alleles.
Comment: PIGG: BP4, BP7

Labcorp Genetics (formerly Invitae), Labcorp
Classification: Benign for Intellectual disability, autosomal recessive 53. Last evaluated: 2026-02-03. Review status: criteria provided, single submitter. Criteria: Invitae Variant Classification Sherloc (09022015). Collection method: clinical testing. Allele origin: germline.

Blueprint Genetics
Classification: Likely benign. Last evaluated: 2024-11-26. Review status: criteria provided, single submitter. Criteria: ACMG Guidelines, 2015. Collection method: clinical testing. Allele origin: germline.

GeneDx
Classification: Likely benign. Last evaluated: 2021-05-06. Review status: criteria provided, single submitter. Criteria: GeneDx Variant Classification Process June 2021. Collection method: clinical testing. Allele origin: germline. Affected: yes.